The following is an entry in ClinVar:

ClinVar aggregate classification (germline): Uncertain significance (1 of 4 stars; one submission).

Conditions:
Adams-Oliver syndrome 5 (AOS5). Identifiers: Orphanet 974, MedGen C4014970, MONDO:0014459, OMIM 616028.

Submission:

Labcorp Genetics (formerly Invitae), Labcorp
Classification: Uncertain significance for Adams-Oliver syndrome 5. Last evaluated: 2022-03-27. Review status: criteria provided, single submitter. Criteria: Invitae Variant Classification Sherloc (09022015). Collection method: clinical testing. Allele origin: germline.
Comment: In summary, the available evidence is currently insufficient to determine the role of this variant in disease. Therefore, it has been classified as a Variant of Uncertain Significance. Algorithms developed to predict the effect of missense changes on protein structure and function (SIFT, PolyPhen-2, Align-GVGD) all suggest that this variant is likely to be disruptive. This variant has not been reported in the literature in individuals affected with NOTCH1-related conditions. This variant is not present in population databases (gnomAD no frequency). This sequence change replaces aspartic acid, which is acidic and polar, with valine, which is neutral and non-polar, at codon 945 of the NOTCH1 protein (p.Asp945Val).

NM_017617.5(NOTCH1):c.2834A>T (p.Asp945Val)

Gene: NOTCH1 (notch receptor 1; minus strand). Cytogenetic location: 9q34.3.
Variant type: single nucleotide variant.
Coding change: c.2834A>T on transcript NM_017617.5 (MANE Select); coding-DNA position 2834, A replaced by T.
Protein change: p.Asp945Val; replaces aspartic acid 945 with valine.
Molecular consequence: missense variant.
Genome position (GRCh38, 1-based): chr9:136,509,868, T>A on the plus strand (A>T on the coding strand, the complement: NOTCH1 is on the minus strand). VCF-style: chr9-136509868-T-A. GRCh37 (hg19) VCF-style: chr9-139404320-T-A.
Other names: short protein forms D945V.
Identifiers: ClinVar variation 2114302 (VCV002114302.4), dbSNP rs2540446101, ClinGen allele CA375553732.